The following is an entry in ClinVar:

NM_177438.3(DICER1):c.559_560delinsAC (p.Arg187Thr)

Gene: DICER1 (dicer 1, ribonuclease III; minus strand). Cytogenetic location: 14q32.13.
Variant type: Indel.
Coding change: c.559_560delinsAC on transcript NM_177438.3 (MANE Select); coding-DNA positions 559 to 560, CG replaced by AC.
Protein change: p.Arg187Thr; replaces arginine 187 with threonine.
Molecular consequence: missense variant. On other transcripts: 5 prime UTR variant (2), non-coding transcript variant (6).
Genome position (GRCh38, 1-based): chr14:95,130,071-95,130,072, CG replaced by GT on the plus strand (CG replaced by AC on the coding strand, the reverse complement: DICER1 is on the minus strand). VCF-style: chr14-95130071-CG-GT. GRCh37 (hg19) VCF-style: chr14-95596408-CG-GT.
Other names: c.559_560delinsAC, p.Arg187Thr (NM_001195573.1, NM_001271282.3, NM_001291628.2 and 14 more transcripts); c.559_560delCGinsAC, p.Arg187Thr (NM_001395681.1); c.277_278delinsAC, p.Arg93Thr (NM_001395686.1); c.154_155delinsAC, p.Arg52Thr (NM_001395687.1, NM_001395688.1, NM_001395689.1 and 3 more transcripts); c.-9_-8delinsAC (NM_001395691.1); c.-1010_-1009delinsAC (NM_001395697.1); short protein forms R187T, R52T, R93T.
Identifiers: ClinVar variation 2586423 (VCV002586423.2), dbSNP rs2543299955, ClinGen allele CA2582341768.

ClinVar aggregate classification (germline): Uncertain significance (1 of 4 stars; one submission).

Conditions:
Hereditary cancer-predisposing syndrome. Also called: Hereditary neoplastic syndrome; Tumor predisposition; Hereditary Cancer Syndrome; Neoplastic Syndromes, Hereditary. Identifiers: Orphanet 140162, MedGen C0027672, MeSH D009386, MONDO:0015356.

Submission:

Ambry Genetics
Classification: Uncertain significance for Hereditary cancer-predisposing syndrome. Last evaluated: 2023-08-30. Review status: criteria provided, single submitter. Criteria: Ambry Variant Classification Scheme 2023. Collection method: clinical testing. Allele origin: germline.
Comment: The c.559_560delCGinsAC variant, located in coding exon 4 of the DICER1 gene, results from an in-frame deletion of CG and insertion of AC at nucleotide positions 559 to 560. This results in the substitution of the arginine residue for a threonine residue at codon 187, an amino acid with similar properties. This amino acid position is well conserved in available vertebrate species. In addition, the in silico prediction for this alteration is inconclusive (Choi Y et al. PLoS ONE. 2012; 7(10):e46688). Since supporting evidence is limited at this time, the clinical significance of this alteration remains unclear.